The following is an entry in ClinVar:

NM_001374828.1(ARID1B):c.5194C>T (p.Pro1732Ser)

Gene: ARID1B (AT-rich interaction domain 1B; plus strand). Cytogenetic location: 6q25.3.
Variant type: single nucleotide variant.
Coding change: c.5194C>T on transcript NM_001374828.1 (MANE Select); coding-DNA position 5194, C replaced by T.
Protein change: p.Pro1732Ser; replaces proline 1732 with serine.
Molecular consequence: missense variant.
Genome position (GRCh38, 1-based): chr6:157,201,419, C>T. VCF-style: chr6-157201419-C-T. GRCh37 (hg19) VCF-style: chr6-157522553-C-T.
Other names: c.4945C>T, p.Pro1649Ser (NM_001346813.1); c.2695C>T, p.Pro899Ser (NM_001363725.2); c.5074C>T, p.Pro1692Ser (NM_001371656.1, NM_001374820.1); c.5035C>T, p.Pro1679Ser (NM_017519.3); c.4825C>T, p.Pro1609Ser (NM_020732.3); c.4612C>T, p.Pro1538Ser (NM_175863.2); short protein forms P1538S, P1609S, P1649S, P1679S, P1692S, P1732S, P899S.
Identifiers: ClinVar variation 2502817 (VCV002502817.2), dbSNP rs2128376746, ClinGen allele CA366243050.
Genomic context (GRCh38, chr6:157,201,419, plus strand): 5'-ACATCCCAGGTCACCGGGCCACCACCCCAACCACCCCCAATCAGAAGGGAGATCACCTTT[C>T]CTCCTGGCTCAGTAGAAGCATCACAACCAGTCTTGAAACAAAGGCGAAAGATTACCTCCA-3'
Protein context (NP_001361757.1, residues 1722-1742): PPPIRREITF[Pro1732Ser]PGSVEASQPV

ClinVar aggregate classification (germline): Uncertain significance. Review status: criteria provided, multiple submitters, no conflicts (2 of 4 stars). 2 submissions from 2 submitters: Uncertain significance (2). Last evaluated 2025-07-31.

Submissions (2):

Labcorp Genetics (formerly Invitae), Labcorp
Classification: Uncertain significance. Last evaluated: 2025-07-31. Review status: criteria provided, single submitter. Criteria: Invitae Variant Classification Sherloc (09022015). Collection method: clinical testing. Allele origin: germline.
Comment: This sequence change replaces proline, which is neutral and non-polar, with serine, which is neutral and polar, at codon 1609 of the ARID1B protein (p.Pro1609Ser). This variant is not present in population databases (gnomAD no frequency). This variant has not been reported in the literature in individuals affected with ARID1B-related conditions. ClinVar contains an entry for this variant (Variation ID: 2502817). Invitae Evidence Modeling of protein sequence and biophysical properties (such as structural, functional, and spatial information, amino acid conservation, physicochemical variation, residue mobility, and thermodynamic stability) indicates that this missense variant is not expected to disrupt ARID1B protein function with a negative predictive value of 80%. In summary, the available evidence is currently insufficient to determine the role of this variant in disease. Therefore, it has been classified as a Variant of Uncertain Significance.

GeneDx
Classification: Uncertain significance. Last evaluated: 2022-11-18. Review status: criteria provided, single submitter. Criteria: GeneDx Variant Classification Process June 2021. Collection method: clinical testing. Allele origin: germline. Affected: yes.
Comment: Not observed at significant frequency in large population cohorts (gnomAD); In silico analysis supports that this missense variant has a deleterious effect on protein structure/function; Has not been previously published as pathogenic or benign to our knowledge